The following is an entry in ClinVar:

NM_020631.6(PLEKHG5):c.1240G>A (p.Ala414Thr)

Gene: PLEKHG5 (pleckstrin homology and RhoGEF domain containing G5; minus strand). Cytogenetic location: 1p36.31.
Variant type: single nucleotide variant.
Coding change: c.1240G>A on transcript NM_020631.6 (MANE Select); coding-DNA position 1240, G replaced by A.
Protein change: p.Ala414Thr; replaces alanine 414 with threonine.
Molecular consequence: missense variant.
Genome position (GRCh38, 1-based): chr1:6,471,529, C>T on the plus strand (G>A on the coding strand, the complement: PLEKHG5 is on the minus strand). VCF-style: chr1-6471529-C-T. GRCh37 (hg19) VCF-style: chr1-6531589-C-T.
Other names: p.Ala414Thr; c.1240G>A (NM_020631.5); c.1351G>A, p.Ala451Thr (NM_001042663.3, NM_001265592.2); c.1240G>A, p.Ala414Thr (NM_001042664.2, NM_001042665.2, NM_001265594.3 and 1 more transcripts); c.1447G>A, p.Ala483Thr (NM_001265593.2); short protein forms A414T, A483T, A451T.
Identifiers: ClinVar variation 297959 (VCV000297959.19), dbSNP rs74809741, ClinGen allele CA561594.

ClinVar aggregate classification (germline): Benign/Likely benign. Review status: criteria provided, multiple submitters, no conflicts (2 of 4 stars). 6 submissions from 6 submitters: Benign (5); Likely benign (1). Last evaluated 2026-02-04.

Conditions:
Neuronopathy, distal hereditary motor, autosomal recessive 4. Also called: Autosomal recessive lower motor neuron disease with childhood onset; NEUROPATHY, DISTAL HEREDITARY MOTOR, AUTOSOMAL RECESSIVE 4. Identifiers: Orphanet 206580, MedGen C1970211, MONDO:0012608, OMIM 611067.
Charcot-Marie-Tooth disease recessive intermediate C. Also called: CHARCOT-MARIE-TOOTH NEUROPATHY, RECESSIVE INTERMEDIATE C. Identifiers: Orphanet 369867, MedGen C3809309, MONDO:0014154, OMIM 615376.

Allele frequency attached by ClinVar (database versions not stated): gnomAD exomes 0.04949; 1000 Genomes Project 0.05531; 1000 Genomes Project 30x 0.05746; gnomAD 0.06062 and 0.06203; ExAC 0.06293; TOPMed 0.06491; ESP Exome Variant Server 0.06775.
gnomAD v4.1: 89,805 of 1,609,860 alleles (5.6%); highest among the groups gnomAD compares: Middle Eastern, 8.5%; 2,644 homozygotes.

Submissions (6):

Labcorp Genetics (formerly Invitae), Labcorp
Classification: Benign for Neuronopathy, distal hereditary motor, autosomal recessive 4; Charcot-Marie-Tooth disease recessive intermediate C. Last evaluated: 2026-02-04. Review status: criteria provided, single submitter. Criteria: Invitae Variant Classification Sherloc (09022015). Collection method: clinical testing. Allele origin: germline.

Blueprint Genetics
Classification: Likely benign. Last evaluated: 2024-11-26. Review status: criteria provided, single submitter. Criteria: ACMG Guidelines, 2015. Collection method: clinical testing. Allele origin: germline.

Illumina Laboratory Services, Illumina
Classification: Benign for Neuronopathy, distal hereditary motor, autosomal recessive 4. Last evaluated: 2018-01-13. Review status: criteria provided, single submitter. Criteria: ICSL Variant Classification Criteria 13 December 2019. Collection method: clinical testing. Allele origin: germline.
Comment: This variant was observed in the ICSL laboratory as part of a predisposition screen in an ostensibly healthy population. It had not been previously curated by ICSL or reported in the Human Gene Mutation Database (HGMD: prior to June 1st, 2018), and was therefore a candidate for classification through an automated scoring system. Utilizing variant allele frequency, disease prevalence and penetrance estimates, and inheritance mode, an automated score was calculated to assess if this variant is too frequent to cause the disease. Based on the score and internal cut-off values, a variant classified as benign is not then subjected to further curation. The score for this variant resulted in a classification of benign for this disease.

Mayo Clinic Laboratories, Mayo Clinic
Classification: Benign. Last evaluated: 2016-04-08. Review status: criteria provided, single submitter. Criteria: ACMG Guidelines, 2015. Collection method: clinical testing. Allele origin: germline. Observed: 265 variant alleles.

GeneDx
Classification: Benign. Last evaluated: 2015-03-03. Review status: criteria provided, single submitter. Criteria: GeneDx Variant Classification Process June 2021. Collection method: clinical testing. Allele origin: germline. Affected: yes.

Breakthrough Genomics
Classification: Benign. Review status: criteria provided, single submitter. Criteria: ACMG Guidelines, 2015. Collection method: not provided. Allele origin: germline. Inheritance: Autosomal recessive inheritance. Affected: yes.